The following is an entry in ClinVar:

ClinVar aggregate classification (germline): Uncertain significance (1 of 4 stars; one submission).

gnomAD v4.1: 2 of 1,610,684 alleles (0.00012%); highest among the groups gnomAD compares: Non-Finnish European, 0.00017%; no homozygotes.

Submission:

Labcorp Genetics (formerly Invitae), Labcorp
Classification: Uncertain significance. Last evaluated: 2025-03-10. Review status: criteria provided, single submitter. Criteria: Invitae Variant Classification Sherloc (09022015). Collection method: clinical testing. Allele origin: germline.
Comment: This sequence change replaces threonine, which is neutral and polar, with asparagine, which is neutral and polar, at codon 838 of the EEF2 protein (p.Thr838Asn). The frequency data for this variant in the population databases is considered unreliable, as metrics indicate poor data quality at this position in the gnomAD database. This variant has not been reported in the literature in individuals affected with EEF2-related conditions. Invitae Evidence Modeling of protein sequence and biophysical properties (such as structural, functional, and spatial information, amino acid conservation, physicochemical variation, residue mobility, and thermodynamic stability) indicates that this missense variant is not expected to disrupt EEF2 protein function with a negative predictive value of 80%. In summary, the available evidence is currently insufficient to determine the role of this variant in disease. Therefore, it has been classified as a Variant of Uncertain Significance.

NM_001961.4(EEF2):c.2513C>A (p.Thr838Asn)

Gene: EEF2 (eukaryotic translation elongation factor 2; minus strand). Cytogenetic location: 19p13.3.
Variant type: single nucleotide variant.
Coding change: c.2513C>A on transcript NM_001961.4 (MANE Select); coding-DNA position 2513, C replaced by A.
Protein change: p.Thr838Asn; replaces threonine 838 with asparagine.
Molecular consequence: missense variant.
Genome position (GRCh38, 1-based): chr19:3,976,618, G>T on the plus strand (C>A on the coding strand, the complement: EEF2 is on the minus strand). VCF-style: chr19-3976618-G-T. GRCh37 (hg19) VCF-style: chr19-3976616-G-T.
Other names: short protein forms T838N.
Identifiers: ClinVar variation 3695637 (VCV003695637.2).
Genomic context (GRCh38, chr19:3,976,618, plus strand): 5'-AATTTGTCCAGGAAGTTGTCCAGGGCAGGGATGCCTTCTTTCAGGCCCTTGCGCTTGCGG[G>T]TCTCCGCCACCACCTGGCTGGGGCGGCTGCTGTTGTCGAAGGGGTCTCCGGGCAGGATCT-3'
Protein context (NP_001952.1, residues 828-848): SSRPSQVVAE[Thr838Asn]RKRKGLKEGI